The following is an entry in ClinVar:

NM_000053.4(ATP7B):c.3700del

Gene: ATP7B (ATPase copper transporting beta; minus strand). Cytogenetic location: 13q14.3.
Variant type: Deletion.
Coding change: c.3700del on transcript NM_000053.4 (MANE Select); coding-DNA position 3700, one base deleted (G; older notation c.3700delG).
Genome position (GRCh38, 1-based): chr13:51,937,679, C deleted on the plus strand (G on the coding strand, the reverse complement: ATP7B is on the minus strand); the first of 2 consecutive C bases (chr13:51,937,679-51,937,680); deleting either gives the same sequence. VCF-style (leftmost placement, unchanged base first): chr13-51937678-AC-A. GRCh37 (hg19) VCF-style: chr13-52511814-AC-A.
Other names: c.3700delG (NM_000053.4).
Identifiers: ClinVar variation 916156 (VCV000916156.43), dbSNP rs1957054299, ClinGen allele CA1139663299.
Genomic context (GRCh38, chr13:51,937,678, plus strand): 5'-TCCTGGACCTTGGCCACCTTGTGCGAAGGCAGCACCTCTGCAAAGACTTTGTTGATGCCA[AC>A]CTAAGACAAAAGGAAGGCAATGCCTAGTGTTGGCAAAAGGTATCAGATAGCAGCAGAAAC-3'

ClinVar aggregate classification (germline): Pathogenic. Review status: criteria provided, multiple submitters, no conflicts (2 of 4 stars). 4 submissions from 4 submitters: Pathogenic (4). Last evaluated 2024-01-01.

Conditions:
Wilson disease (WND). Also called: Wilson's disease. Identifiers: Orphanet 905, MedGen C0019202, MONDO:0010200, OMIM 277900. Disease mechanism: loss of function.

Submissions (4):

Chongqing Key Laboratory of Child Rare Diseases in Infection and Immunity, Children’s Hospital of Chongqing Medical University
Classification: Pathogenic for Wilson disease. Last evaluated: 2024-01-01. Review status: criteria provided, single submitter. Criteria: ACMG Guidelines, 2015. Collection method: clinical testing. Allele origin: germline. Inheritance: Autosomal recessive inheritance. Affected: yes.
Comment: Classified as Pathogenic according to the ACMG/AMP 2015 guidelines (PMID:25741868). The classification was based on the available submitted evidence for Wilson disease (OMIM:277900), including clinical-testing observations, variant consequence/protein annotation, and published or ClinVar evidence where available. Supporting information considered: variant annotation: p.Val1234LeusfsTer96; Frameshift; Protein domain: N-domain-enriched; submitted notation: NM_000053.4:c.3700delG (p.Val1234LeusfsTer96); source variant type: Frameshift; source domain: N-domain-enriched; allele count n=230: 1.

Baylor Genetics
Classification: Pathogenic for Wilson disease. Last evaluated: 2023-06-06. Review status: criteria provided, single submitter. Criteria: ACMG Guidelines, 2015. Collection method: clinical testing. Allele origin: unknown.

CeGaT Center for Human Genetics Tuebingen
Classification: Pathogenic. Last evaluated: 2020-04-01. Review status: criteria provided, single submitter. Criteria: CeGaT Center For Human Genetics Tuebingen Variant Classification Criteria Version 2. Collection method: clinical testing. Allele origin: germline. Affected: yes. Observed: 1 variant allele.

Juno Genomics, Hangzhou Juno Genomics, Inc
Classification: Pathogenic for Wilson disease. Review status: criteria provided, single submitter. Criteria: ACMG Guidelines, 2015. Collection method: clinical testing. Allele origin: germline.
Comment: Absent from controls (or at extremely low frequency if recessive) in Genome Aggregation Database.;Null variant in a gene where loss of function (LOF) is a known mechanism of disease.;For recessive disorders, detected in trans with a pathogenic variant.